The following is an entry in ClinVar:

ClinVar aggregate classification (germline): Likely benign. Review status: criteria provided, single submitter (1 of 4 stars). 2 submissions from 2 submitters: Likely benign (1). 1 of the submissions does not count toward it. Last evaluated 2024-03-03.

Conditions:
PCNT-related disorder. Also called: PCNT-related condition.

Allele frequency attached by ClinVar (database versions not stated): gnomAD 0.00001; TOPMed 0.00002.
gnomAD v4.1: 8 of 1,611,638 alleles (0.0005%); highest among the groups gnomAD compares: Admixed American, 0.012%; no homozygotes.

Submissions (2):

Labcorp Genetics (formerly Invitae), Labcorp
Classification: Likely benign. Last evaluated: 2024-03-03. Review status: criteria provided, single submitter. Criteria: Invitae Variant Classification Sherloc (09022015). Collection method: clinical testing. Allele origin: germline.

PreventionGenetics, part of Exact Sciences
Classification: Likely benign for PCNT-related condition. Last evaluated: 2023-11-21. Review status: no assertion criteria provided. Collection method: clinical testing. Allele origin: germline. Not counted in ClinVar's aggregate classification.
Comment: This variant is classified as likely benign based on ACMG/AMP sequence variant interpretation guidelines (Richards et al. 2015 PMID: 25741868, with internal and published modifications).

NM_006031.6(PCNT):c.1457-7G>A

Gene: PCNT (pericentrin; plus strand). Cytogenetic location: 21q22.3.
Variant type: single nucleotide variant.
Coding change: c.1457-7G>A on transcript NM_006031.6 (MANE Select); 7 bases into the intron before coding-DNA position 1457, G replaced by A.
Molecular consequence: intron variant.
Genome position (GRCh38, 1-based): chr21:46,353,097, G>A. VCF-style: chr21-46353097-G-A. GRCh37 (hg19) VCF-style: chr21-47773011-G-A.
Other names: c.1457-7G>A (NM_006031.5); c.1103-7G>A (NM_001315529.2).
Identifiers: ClinVar variation 3017877 (VCV003017877.5), dbSNP rs780112087, ClinGen allele CA10078642.